The following is an entry in ClinVar:

ClinVar aggregate classification (germline): Uncertain significance (1 of 4 stars; one submission).

Submission:

Ambry Genetics
Classification: Uncertain significance. Last evaluated: 2022-01-08. Review status: criteria provided, single submitter. Criteria: Ambry Variant Classification Scheme 2023. Collection method: clinical testing. Allele origin: germline.
Comment: The p.F235L variant (also known as c.705C>G), located in coding exon 1 of the EGLN1 gene, results from a C to G substitution at nucleotide position 705. The phenylalanine at codon 235 is replaced by leucine, an amino acid with highly similar properties. This amino acid position is conserved. In addition, this alteration is predicted to be tolerated by in silico analysis. Since supporting evidence is limited at this time, the clinical significance of this alteration remains unclear.

NM_022051.3(EGLN1):c.705C>G (p.Phe235Leu)

Gene: EGLN1 (egl-9 family hypoxia inducible factor 1; minus strand). Cytogenetic location: 1q42.2.
Variant type: single nucleotide variant.
Coding change: c.705C>G on transcript NM_022051.3 (MANE Select); coding-DNA position 705, C replaced by G.
Protein change: p.Phe235Leu; replaces phenylalanine 235 with leucine.
Molecular consequence: missense variant.
Genome position (GRCh38, 1-based): chr1:231,421,184, G>C on the plus strand (C>G on the coding strand, the complement: EGLN1 is on the minus strand). VCF-style: chr1-231421184-G-C. GRCh37 (hg19) VCF-style: chr1-231556930-G-C.
Other names: c.705C>G, p.Phe235Leu (NM_001377260.1, NM_001377261.1); short protein forms F235L.
Identifiers: ClinVar variation 1756922 (VCV001756922.2), dbSNP rs2527358866, ClinGen allele CA345235752.